The following is an entry in ClinVar:

NM_003036.4(SKI):c.332C>G (p.Ser111Trp)

Gene: SKI (SKI proto-oncogene; plus strand). Cytogenetic location: 1p36.33.
Variant type: single nucleotide variant.
Coding change: c.332C>G on transcript NM_003036.4 (MANE Select); coding-DNA position 332, C replaced by G.
Protein change: p.Ser111Trp; replaces serine 111 with tryptophan.
Molecular consequence: missense variant.
Genome position (GRCh38, 1-based): chr1:2,229,098, C>G. VCF-style: chr1-2229098-C-G. GRCh37 (hg19) VCF-style: chr1-2160537-C-G.
Other names: short protein forms S111W.
Identifiers: ClinVar variation 3318703 (VCV003318703.1).

ClinVar aggregate classification (germline): Uncertain significance (1 of 4 stars; one submission).

Conditions:
Familial thoracic aortic aneurysm and aortic dissection (TAAD). Also called: Thoracic aortic aneurysms and dissections. Identifiers: Orphanet 91387, MedGen C4707243, MONDO:0019625.

Submission:

Ambry Genetics
Classification: Uncertain significance for Familial thoracic aortic aneurysm and aortic dissection. Last evaluated: 2024-03-30. Review status: criteria provided, single submitter. Criteria: Ambry Variant Classification Scheme 2023. Collection method: clinical testing. Allele origin: germline.
Comment: The p.S111W variant (also known as c.332C>G), located in coding exon 1 of the SKI gene, results from a C to G substitution at nucleotide position 332. The serine at codon 111 is replaced by tryptophan, an amino acid with highly dissimilar properties. This amino acid position is conserved. In addition, this alteration is predicted to be deleterious by in silico analysis. Based on the available evidence, the clinical significance of this alteration remains unclear.